The following is an entry in ClinVar:

NM_177438.3(DICER1):c.3772A>G (p.Met1258Val)

Gene: DICER1 (dicer 1, ribonuclease III; minus strand). Cytogenetic location: 14q32.13.
Variant type: single nucleotide variant.
Coding change: c.3772A>G on transcript NM_177438.3 (MANE Select); coding-DNA position 3772, A replaced by G.
Protein change: p.Met1258Val; replaces methionine 1258 with valine.
Molecular consequence: missense variant. On other transcripts: non-coding transcript variant (6).
Genome position (GRCh38, 1-based): chr14:95,103,624, T>C on the plus strand (A>G on the coding strand, the complement: DICER1 is on the minus strand). VCF-style: chr14-95103624-T-C. GRCh37 (hg19) VCF-style: chr14-95569961-T-C.
Other names: c.3772A>G, p.Met1258Val (NM_001195573.1, NM_001271282.3, NM_001291628.2 and 13 more transcripts); c.3490A>G, p.Met1164Val (NM_001395686.1); c.3367A>G, p.Met1123Val (NM_001395687.1, NM_001395688.1, NM_001395689.1 and 2 more transcripts); c.3205A>G, p.Met1069Val (NM_001395691.1); c.2089A>G, p.Met697Val (NM_001395697.1); short protein forms M1123V, M1069V, M1258V, M1164V, M697V.
Identifiers: ClinVar variation 1734773 (VCV001734773.4), dbSNP rs1891107209, ClinGen allele CA390873552.

ClinVar aggregate classification (germline): Uncertain significance. Review status: criteria provided, multiple submitters, no conflicts (2 of 4 stars). 2 submissions from 2 submitters: Uncertain significance (2). Last evaluated 2024-11-24.

Conditions:
Hereditary cancer-predisposing syndrome. Also called: Neoplastic Syndromes, Hereditary; Tumor predisposition; Hereditary Cancer Syndrome; Hereditary neoplastic syndrome. Identifiers: Orphanet 140162, MedGen C0027672, MeSH D009386, MONDO:0015356.
DICER1-related tumor predisposition. Also called: DICER1 syndrome; DICER1-related pleuropulmonary blastoma cancer predisposition syndrome. Identifiers: Orphanet 284343, MedGen C3839822, MONDO:0100216.

Submissions (2):

Labcorp Genetics (formerly Invitae), Labcorp
Classification: Uncertain significance for DICER1-related tumor predisposition. Last evaluated: 2024-11-24. Review status: criteria provided, single submitter. Criteria: Invitae Variant Classification Sherloc (09022015). Collection method: clinical testing. Allele origin: germline.
Comment: This sequence change replaces methionine, which is neutral and non-polar, with valine, which is neutral and non-polar, at codon 1258 of the DICER1 protein (p.Met1258Val). This variant is not present in population databases (gnomAD no frequency). This variant has not been reported in the literature in individuals affected with DICER1-related conditions. ClinVar contains an entry for this variant (Variation ID: 1734773). Invitae Evidence Modeling of protein sequence and biophysical properties (such as structural, functional, and spatial information, amino acid conservation, physicochemical variation, residue mobility, and thermodynamic stability) indicates that this missense variant is not expected to disrupt DICER1 protein function with a negative predictive value of 95%. In summary, the available evidence is currently insufficient to determine the role of this variant in disease. Therefore, it has been classified as a Variant of Uncertain Significance.

Ambry Genetics
Classification: Uncertain significance for Hereditary cancer-predisposing syndrome. Last evaluated: 2020-05-18. Review status: criteria provided, single submitter. Criteria: Ambry Variant Classification Scheme 2023. Collection method: clinical testing. Allele origin: germline.
Comment: The p.M1258V variant (also known as c.3772A>G), located in coding exon 20 of the DICER1 gene, results from an A to G substitution at nucleotide position 3772. The methionine at codon 1258 is replaced by valine, an amino acid with highly similar properties. This amino acid position is not well conserved in available vertebrate species, and valine is the reference amino acid in other vertebrate species. In addition, this alteration is predicted to be tolerated by in silico analysis. Since supporting evidence is limited at this time, the clinical significance of this alteration remains unclear.